The following is an entry in ClinVar:

ClinVar aggregate classification (germline): Uncertain significance (1 of 4 stars; one submission).

Conditions:
Neuropathy, hereditary motor and sensory, type 6B (HMSN6B). Also called: CHARCOT-MARIE-TOOTH DISEASE, TYPE 6B; HMSN VIB; Neuropathy, hereditary motor and sensory, type VIB; NEUROPATHY, HEREDITARY MOTOR AND SENSORY, TYPE VIB, WITH OPTIC ATROPHY. Identifiers: MedGen C4225302, MONDO:0014671, OMIM 616505.

Allele frequency attached by ClinVar (database versions not stated): gnomAD exomes below 0.00001.
gnomAD v4.1: 1 of 1,586,988 alleles (0.000063%); highest among the groups gnomAD compares: East Asian, 0.0023%; no homozygotes.

Submission:

Labcorp Genetics (formerly Invitae), Labcorp
Classification: Uncertain significance for Neuropathy, hereditary motor and sensory, type 6B. Last evaluated: 2022-07-19. Review status: criteria provided, single submitter. Criteria: Invitae Variant Classification Sherloc (09022015). Collection method: clinical testing. Allele origin: germline.
Comment: This variant is not present in population databases (gnomAD no frequency). This sequence change replaces glutamine, which is neutral and polar, with histidine, which is basic and polar, at codon 134 of the SLC25A46 protein (p.Gln134His). This variant has not been reported in the literature in individuals affected with SLC25A46-related conditions. In summary, the available evidence is currently insufficient to determine the role of this variant in disease. Therefore, it has been classified as a Variant of Uncertain Significance. Algorithms developed to predict the effect of missense changes on protein structure and function (SIFT, PolyPhen-2, Align-GVGD) all suggest that this variant is likely to be tolerated. ClinVar contains an entry for this variant (Variation ID: 1011978).

NM_138773.4(SLC25A46):c.402G>C (p.Gln134His)

Gene: SLC25A46 (solute carrier family 25 member 46; plus strand). Cytogenetic location: 5q22.1.
Variant type: single nucleotide variant.
Coding change: c.402G>C on transcript NM_138773.4 (MANE Select); coding-DNA position 402, G replaced by C.
Protein change: p.Gln134His; replaces glutamine 134 with histidine.
Molecular consequence: missense variant. On other transcripts: non-coding transcript variant (1).
Genome position (GRCh38, 1-based): chr5:110,746,286, G>C. VCF-style: chr5-110746286-G-C. GRCh37 (hg19) VCF-style: chr5-110081987-G-C.
Other names: c.402G>C, p.Gln134His (NM_001303249.3); c.129G>C, p.Gln43His (NM_001303250.3); short protein forms Q134H, Q43H.
Identifiers: ClinVar variation 1011978 (VCV001011978.9), dbSNP rs1799816585, ClinGen allele CA360694379.